The following is an entry in ClinVar:

ClinVar aggregate classification (germline): Likely pathogenic (1 of 4 stars; one submission).

Conditions:
Cornelia de Lange syndrome 1 (CDLS1). Also called: Brachmann de Lange syndrome; NIPBL-Related Cornelia de Lange Syndrome; TYPUS DEGENERATIVUS AMSTELODAMENSIS. Identifiers: Orphanet 199, MedGen C4551851, MONDO:0007387, OMIM 122470.

Submission:

Lifecell International Pvt. Ltd
Classification: Likely pathogenic for Cornelia de Lange syndrome 1. Review status: criteria provided, single submitter. Criteria: ACMG Guidelines, 2015. Collection method: clinical testing. Allele origin: germline. Inheritance: Autosomal dominant inheritance. Affected: yes. Observed: 1 heterozygote.
Comment: A Heterozygous Frameshift variant c.550_551insC in Exon 6 of the NIPBL gene that results in the amino acid substitution p.Gly185fs*36 was identified. The observed variant is novel in gnomAD exomes and genomes, respectively. The severity of the impact of this variant on the protein is high, based on the effect of the protein and REVEL score . Rare Exome Variant Ensemble Learner (REVEL) is an ensembl method for predicting the pathogenicity of missense variants based on a combination of scores from 13 individual tools: MutPred, FATHMM v2.3, VEST 3.0, PolyPhen-2, SIFT, PROVEAN, MutationAssessor, MutationTaster, LRT, GERP++, SiPhy, phyloP, and phastCons. The REVEL score for an individual missense variant can range from 0 to 1, with higher scores reflecting greater likelihood that the variant is disease-causing. Based on the above evidence this variant has been classified as Likely Pathogenic according to the ACMG guidelines.

NM_133433.4(NIPBL):c.551dup (p.Gly185fs)

Gene: NIPBL (NIPBL cohesin loading factor; plus strand). Cytogenetic location: 5p13.2.
Variant type: Duplication.
Coding change: c.551dup on transcript NM_133433.4 (MANE Select); coding-DNA position 551, one base duplicated (C; older notation c.551dupC).
Protein change: p.Gly185fs; shifts the reading frame from glycine 185.
Molecular consequence: frameshift variant.
Genome position (GRCh38, 1-based): chr5:36,962,215, C duplicated. VCF-style (leftmost placement, unchanged base first): chr5-36962214-G-GC. GRCh37 (hg19) VCF-style: chr5-36962316-G-GC.
Other names: c.551dup, p.Gly185fs (NM_015384.5); c.550_551insC (NM_015384.5); short protein forms G185fs.
Identifiers: ClinVar variation 2498383 (VCV002498383.2), dbSNP rs2479033684, ClinGen allele CA2580073208.